The following is an entry in ClinVar:

ClinVar aggregate classification (germline): Uncertain significance (1 of 4 stars; one submission).

Conditions:
Ehlers-Danlos syndrome, musculocontractural type (EDSMC). Also called: Adducted thumb, clubfoot, progressive joint and skin laxity syndrome; ADDUCTED THUMB-CLUBFOOT SYNDROME; DUNDAR SYNDROME; ARTHROGRYPOSIS, DISTAL, WITH PECULIAR FACIES AND HYDRONEPHROSIS. Identifiers: Orphanet 2953, MedGen C1866294, MONDO:0011142.

Allele frequency attached by ClinVar (database versions not stated): TOPMed below 0.00001; gnomAD 0.00001; gnomAD exomes 0.00001.
gnomAD v4.1: 18 of 1,612,834 alleles (0.0011%); highest among the groups gnomAD compares: Non-Finnish European, 0.0015%; no homozygotes.

Submission:

Labcorp Genetics (formerly Invitae), Labcorp
Classification: Uncertain significance for Ehlers-Danlos syndrome, musculocontractural type. Last evaluated: 2021-04-11. Review status: criteria provided, single submitter. Criteria: Invitae Variant Classification Sherloc (09022015). Collection method: clinical testing. Allele origin: germline.
Comment: In summary, the available evidence is currently insufficient to determine the role of this variant in disease. Therefore, it has been classified as a Variant of Uncertain Significance. Algorithms developed to predict the effect of missense changes on protein structure and function are either unavailable or do not agree on the potential impact of this missense change (SIFT: "Deleterious"; PolyPhen-2: "Probably Damaging"; Align-GVGD: "Class C0"). This variant has not been reported in the literature in individuals with CHST14-related conditions. This variant is not present in population databases (ExAC no frequency). This sequence change replaces arginine with glutamine at codon 134 of the CHST14 protein (p.Arg134Gln). The arginine residue is highly conserved and there is a small physicochemical difference between arginine and glutamine.

NM_130468.4(CHST14):c.401G>A (p.Arg134Gln)

Gene: CHST14 (carbohydrate sulfotransferase 14; plus strand). Cytogenetic location: 15q15.1.
Variant type: single nucleotide variant.
Coding change: c.401G>A on transcript NM_130468.4 (MANE Select); coding-DNA position 401, G replaced by A.
Protein change: p.Arg134Gln; replaces arginine 134 with glutamine.
Molecular consequence: missense variant.
Genome position (GRCh38, 1-based): chr15:40,471,614, G>A. VCF-style: chr15-40471614-G-A. GRCh37 (hg19) VCF-style: chr15-40763813-G-A.
Other names: short protein forms R134Q.
Identifiers: ClinVar variation 1516406 (VCV001516406.8), dbSNP rs1484119071, ClinGen allele CA391765474.